The following is an entry in ClinVar:

NM_001127222.2(CACNA1A):c.1322_1324del (p.Gln441del)

Gene: CACNA1A (calcium voltage-gated channel subunit alpha1 A; minus strand). Cytogenetic location: 19p13.13.
Variant type: Deletion.
Coding change: c.1322_1324del on transcript NM_001127222.2 (MANE Select); coding-DNA positions 1322 to 1324, 3 bases deleted (AGC; older notation c.1322_1324delAGC).
Protein change: p.Gln441del; deletes glutamine 441.
Molecular consequence: inframe deletion.
Genome position (GRCh38, 1-based): chr19:13,330,265-13,330,267, GCT deleted on the plus strand (AGC on the coding strand, the reverse complement: CACNA1A is on the minus strand); deleting any 3 consecutive bases within chr19:13,330,265-13,330,268 gives the same sequence; the c. name uses the placement nearest the transcript's 3' end. VCF-style (leftmost placement, unchanged base first): chr19-13330264-AGCT-A. GRCh37 (hg19) VCF-style: chr19-13441078-AGCT-A.
Other names: c.1325_1327del, p.Gln442del (NM_001127221.2, NM_001174080.2, NM_023035.3 and 1 more transcripts); short protein forms Q441del, Q442del.
Identifiers: ClinVar variation 2105024 (VCV002105024.4), dbSNP rs2513031079, ClinGen allele CA2576642904.

ClinVar aggregate classification (germline): Uncertain significance (1 of 4 stars; one submission).

Conditions:
Episodic ataxia type 2 (EA2). Also called: ATAXIA, EPISODIC, WITH NYSTAGMUS; ATAXIA, FAMILIAL PAROXYSMAL; CEREBELLAR ATAXIA, PAROXYSMAL, ACETAZOLAMIDE-RESPONSIVE; CEREBELLOPATHY, HEREDITARY PAROXYSMAL; EPISODIC ATAXIA, NYSTAGMUS-ASSOCIATED; ACETAZOLAMIDE-RESPONSIVE HEREDITARY PAROXYSMAL CEREBELLAR ATAXIA. Identifiers: Orphanet 97, MedGen C1720416, MONDO:0007163, OMIM 108500.
Developmental and epileptic encephalopathy, 42 (DEE42A). Also called: Epileptic encephalopathy, early infantile, 42; DEVELOPMENTAL AND EPILEPTIC ENCEPHALOPATHY 42A; EPILEPTIC ENCEPHALOPATHY, EARLY INFANTILE, 42A. Identifiers: MedGen C4310716, MONDO:0014917, OMIM 617106.

Submission:

Labcorp Genetics (formerly Invitae), Labcorp
Classification: Uncertain significance for Developmental and epileptic encephalopathy, 42; Episodic ataxia type 2. Last evaluated: 2022-08-19. Review status: criteria provided, single submitter. Criteria: Invitae Variant Classification Sherloc (09022015). Collection method: clinical testing. Allele origin: germline.
Comment: This variant, c.1325_1327del, results in the deletion of 1 amino acid(s) of the CACNA1A protein (p.Gln442del), but otherwise preserves the integrity of the reading frame. This variant is not present in population databases (gnomAD no frequency). This variant has not been reported in the literature in individuals affected with CACNA1A-related conditions. Experimental studies and prediction algorithms are not available or were not evaluated, and the functional significance of this variant is currently unknown. In summary, the available evidence is currently insufficient to determine the role of this variant in disease. Therefore, it has been classified as a Variant of Uncertain Significance.